The following is an entry in ClinVar:

ClinVar aggregate classification (germline): Pathogenic. Review status: criteria provided, multiple submitters, no conflicts (2 of 4 stars). 17 submissions from 17 submitters: Pathogenic (12). 5 of the submissions do not count toward it. Last evaluated 2025-11-05.

Conditions:
RAD51D-related disorder. Also called: RAD51D-related condition.
Hereditary cancer-predisposing syndrome. Also called: Neoplastic Syndromes, Hereditary; Hereditary neoplastic syndrome; Hereditary Cancer Syndrome; Tumor predisposition. Identifiers: Orphanet 140162, MedGen C0027672, MeSH D009386, MONDO:0015356.
Hereditary breast ovarian cancer syndrome. Also called: Hereditary breast and ovarian cancer syndrome (HBOC); Breast and ovarian cancer; BRCA1- and BRCA2-Associated Hereditary Breast and Ovarian Cancer; Hereditary breast and ovarian cancer syndrome; Hereditary breast and ovarian cancer; Hereditary breast and/or ovarian cancer syndrome. Identifiers: Orphanet 145, MedGen C0677776, MeSH D061325, MONDO:0003582. Disease mechanism: loss of function.
Breast-ovarian cancer, familial, susceptibility to, 4. Identifiers: Orphanet 145, MedGen C3280345, MONDO:0013669, OMIM 614291.
Ovarian carcinoma. Identifiers: MedGen C4721610, MONDO:0005140, HP:0025318.
Breast carcinoma. Also called: Carcinoma of breast. Identifiers: MedGen C0678222, MONDO:0004989, HP:0003002.

Submissions (17):

Labcorp Genetics (formerly Invitae), Labcorp
Classification: Pathogenic for Breast-ovarian cancer, familial, susceptibility to, 4. Last evaluated: 2025-11-05. Review status: criteria provided, single submitter. Criteria: Invitae Variant Classification Sherloc (09022015). Collection method: clinical testing. Allele origin: germline.
Comment: This sequence change creates a premature translational stop signal (p.Arg253*) in the RAD51D gene. It is expected to result in an absent or disrupted protein product. Loss-of-function variants in RAD51D are known to be pathogenic (PMID: 21822267). This variant is present in population databases (rs137886232, gnomAD 0.006%). This premature translational stop signal has been observed in individual(s) with breast cancer and/or ovarian cancer (PMID: 21822267, 26720728, 28724667). ClinVar contains an entry for this variant (Variation ID: 30288). For these reasons, this variant has been classified as Pathogenic.

Women's Health and Genetics/Laboratory Corporation of America, LabCorp
Classification: Pathogenic for Hereditary breast ovarian cancer syndrome. Last evaluated: 2025-01-16. Review status: criteria provided, single submitter. Criteria: LabCorp Variant Classification Summary - May 2015. Collection method: clinical testing. Allele origin: germline.
Comment: Variant summary: RAD51D c.757C>T (p.Arg253X) results in a premature termination codon, predicted to cause a truncation of the encoded protein or absence of the protein due to nonsense mediated decay, which are commonly known mechanisms for disease. The variant allele was found at a frequency of 1.6e-05 in 251138 control chromosomes. c.757C>T has been reported in the literature in individuals affected with Hereditary Breast And Ovarian Cancer Syndrome (e.g. Loveday_2011). These data indicate that the variant may be associated with disease. To our knowledge, no experimental evidence demonstrating an impact on protein function has been reported. The following publication have been ascertained in the context of this evaluation (PMID: 21822267). ClinVar contains an entry for this variant (Variation ID: 30288). Based on the evidence outlined above, the variant was classified as pathogenic.

Blueprint Genetics
Classification: Pathogenic for RAD51D-related disorders. Last evaluated: 2024-06-24. Review status: criteria provided, single submitter. Criteria: ACMG Guidelines, 2015. Collection method: clinical testing. Allele origin: germline. Affected: yes. Observed: 3 variant alleles.

Ambry Genetics
Classification: Pathogenic for Hereditary cancer-predisposing syndrome. Last evaluated: 2024-04-25. Review status: criteria provided, single submitter. Criteria: Ambry Variant Classification Scheme 2023. Collection method: clinical testing. Allele origin: germline.
Comment: The p.R253* pathogenic mutation (also known as c.757C>T), located in coding exon 9 of the RAD51D gene, results from a C to T substitution at nucleotide position 757. This changes the amino acid from an arginine to a stop codon within coding exon 9. This mutation was first reported in two affected sisters from a breast/ovarian cancer kindred (Loveday C et al. Nat. Genet. 2011; 43:879-82). It has also been identified in two unrelated individuals with ovarian cancer (Norquist BM et al. JAMA Oncol 2016 Apr;2(4):482-90), in three unrelated patients from a cohort of 7657 unselected BRCA1/2 mutation negative breast cancer patients from China (Chen X et al. Ann Oncol, 2018 10;29:2046-2051), and in a cohort of 8085 consecutive unselected Chinese breast cancer patients who underwent multi-gene panel testing (Sun J et al. Clin Cancer Res, 2017 Oct;23:6113-6119). In addition to the clinical data presented in the literature, this alteration is expected to result in loss of function by premature protein truncation or nonsense-mediated mRNA decay. As such, this alteration is interpreted as a disease-causing mutation.

Baylor Genetics
Classification: Pathogenic for Breast-ovarian cancer, familial, susceptibility to, 4. Last evaluated: 2024-02-22. Review status: criteria provided, single submitter. Criteria: ACMG Guidelines, 2015. Collection method: clinical testing. Allele origin: unknown.

Color Diagnostics, LLC DBA Color Health
Classification: Pathogenic for Hereditary cancer-predisposing syndrome. Last evaluated: 2023-05-30. Review status: criteria provided, single submitter. Criteria: ACMG Guidelines, 2015. Collection method: clinical testing. Allele origin: germline.
Comment: This variant changes 1 nucleotide in exon 9 of the RAD51D gene, creating a premature translation stop signal. This variant is expected to result in an absent or non-functional protein product. This variant has been reported in individuals affected with ovarian cancer (PMID: 36537080, 36544182, 36685941) and/or breast cancer (PMID: 21822267, 32107557). This variant has been identified in 4/251138 chromosomes in the general population by the Genome Aggregation Database (gnomAD). Loss of RAD51D function is a known mechanism of disease. Based on the available evidence, this variant is classified as Pathogenic.

Myriad Genetics, Inc.
Classification: Pathogenic for Breast-ovarian cancer, familial, susceptibility to, 4. Last evaluated: 2023-04-06. Review status: criteria provided, single submitter. Criteria: Myriad Autosomal Dominant, Autosomal Recessive and X-Linked Classification Criteria (2023). Collection method: clinical testing. Allele origin: unknown.
Comment: This variant is considered pathogenic. This variant creates a termination codon and is predicted to result in premature protein truncation.

Neuberg Centre For Genomic Medicine, NCGM
Classification: Pathogenic for Breast-ovarian cancer, familial, susceptibility to, 4. Last evaluated: 2023-03-01. Review status: criteria provided, single submitter. Criteria: ACMG Guidelines, 2015. Collection method: clinical testing. Allele origin: germline. Inheritance: Autosomal dominant inheritance. Affected: yes.
Comment: The stop gained c.757C>T (p.Arg253Ter) variant has been reported in multiple individuals affected with {Breast-ovarian cancer (Yao H et al. 2022; Chen X et al. 2018; Loveday C et al. 2011). The p.Arg253Ter variant has allele frequency 0.002% in gnomAD Exomes and is novel (not in any individuals) in 1000 Genomes. This variant has been reported to the ClinVar database as Pathogenic (multiple submitters). The nucleotide change c.757C>T in RAD51D is predicted as conserved by GERP++ and PhyloP across 100 vertebrates. This variant is predicted to cause loss of normal protein function through protein truncation. Loss of function variants have been previously reported to be disease causing. For these reasons, this variant has been classified as Pathogenic.

Genetics and Genomic Medicine Centre, NeuroGen Healthcare, NeuroGen Healthcare
Classification: Pathogenic for Breast-ovarian cancer, familial, susceptibility to, 4. Last evaluated: 2022-01-27. Review status: criteria provided, single submitter. Criteria: Submitter's publication. Collection method: clinical testing. Allele origin: unknown. Affected: no.

Institute for Clinical Genetics, University Hospital TU Dresden, University Hospital TU Dresden
Classification: Pathogenic. Last evaluated: 2021-11-03. Review status: criteria provided, single submitter. Criteria: ACMG Guidelines, 2015. Collection method: clinical testing. Allele origin: germline.

GeneDx
Classification: Pathogenic. Last evaluated: 2020-12-18. Review status: criteria provided, single submitter. Criteria: GeneDx Variant Classification Process June 2021. Collection method: clinical testing. Allele origin: germline. Affected: yes.
Comment: Nonsense variant predicted to result in protein truncation or nonsense mediated decay in a gene for which loss-of-function is a known mechanism of disease; Not observed at a significant frequency in large population cohorts (Lek 2016); This variant is associated with the following publications: (PMID: 21822267, 24130102, 26720728, 28724667, 25445424, 30165555, 30733081, 32601921)

Juno Genomics, Hangzhou Juno Genomics, Inc
Classification: Pathogenic for Breast-ovarian cancer, familial, susceptibility to, 4. Review status: criteria provided, single submitter. Criteria: ACMG Guidelines, 2015. Collection method: clinical testing. Allele origin: germline.
Comment: Absent from controls (or at extremely low frequency if recessive) in Genome Aggregation Database.;Null variant in a gene where loss of function (LOF) is a known mechanism of disease.;The prevalence of the variant in affected individuals is significantly increased compared to the prevalence in controls.

BRCAlab, Lund University
Classification: Pathogenic for Breast-ovarian cancer, familial, susceptibility to, 4. Last evaluated: 2022-08-26. Review status: no assertion criteria provided. Collection method: clinical testing. Allele origin: germline. Affected: yes. Not counted in ClinVar's aggregate classification.

Medical Genetics Laboratory, Umraniye Training and Research Hospital, University of Health Sciences
Classification: Pathogenic for Breast carcinoma. Last evaluated: 2021-08-08. Review status: no assertion criteria provided. Collection method: clinical testing. Allele origin: germline. Inheritance: Autosomal dominant inheritance. Affected: yes. Observed: 1 variant allele, 1 heterozygote. Not counted in ClinVar's aggregate classification.

Counsyl
Classification: Pathogenic for Breast-ovarian cancer, familial, susceptibility to, 4. Last evaluated: 2016-06-09. Review status: no assertion criteria provided. Collection method: clinical testing. Allele origin: unknown. Not counted in ClinVar's aggregate classification.

OMIM
Classification: risk factor for BREAST-OVARIAN CANCER, FAMILIAL, SUSCEPTIBILITY TO, 4. Last evaluated: 2011-08-07. Review status: no assertion criteria provided. Collection method: literature only. Allele origin: germline. Not counted in ClinVar's aggregate classification.

China-NCC-Department of Gynecologic Oncology, Cancer Hospital, Chinese Academy of Medical Sciences and Peking Union Medical College
Classification: Pathogenic for Ovarian carcinoma. Review status: no assertion criteria provided. Collection method: clinical testing. Allele origin: germline. Inheritance: Autosomal dominant inheritance. Affected: yes. Not counted in ClinVar's aggregate classification.

Literature cited by the submitters: PubMed 21822267 (cited by 6 submitters); PubMed 26720728 (cited by Labcorp Genetics (formerly Invitae), Labcorp); PubMed 28724667 (cited by Labcorp Genetics (formerly Invitae), Labcorp and Ambry Genetics); PubMed 30165555 (cited by Ambry Genetics); PubMed 32107557 (cited by Color Diagnostics, LLC DBA Color Health); PubMed 36537080 (cited by Color Diagnostics, LLC DBA Color Health); PubMed 36544182 (cited by Color Diagnostics, LLC DBA Color Health); PubMed 36685941 (cited by Color Diagnostics, LLC DBA Color Health); PubMed 26720727 (cited by Counsyl).

NM_002878.4(RAD51D):c.757C>T (p.Arg253Ter)

Genes: RAD51D (RAD51 paralog D; minus strand), RAD51L3-RFFL (RAD51L3-RFFL readthrough; minus strand). Cytogenetic location: 17q12.
Variant type: single nucleotide variant.
Coding change: c.757C>T on transcript NM_002878.4 (MANE Select); coding-DNA position 757, C replaced by T.
Protein change: p.Arg253Ter; replaces arginine 253 with a stop codon.
Molecular consequence: nonsense. On other transcripts: non-coding transcript variant (3).
Genome position (GRCh38, 1-based): chr17:35,101,347, G>A on the plus strand (C>T on the coding strand, the complement: RAD51D is on the minus strand). VCF-style: chr17-35101347-G-A. GRCh37 (hg19) VCF-style: chr17-33428366-G-A.
Other names: c.817C>T, p.Arg273Ter (NM_001142571.2); c.421C>T, p.Arg141Ter (NM_133629.3); short protein forms R253*, R273*, R141*.
Identifiers: ClinVar variation 30288 (VCV000030288.55), dbSNP rs137886232, ClinGen allele CA129085.